The following is an entry in ClinVar:

NM_000082.4(ERCC8):c.577del (p.Ser193fs)

Gene: ERCC8 (ERCC excision repair 8, CSA ubiquitin ligase complex subunit; minus strand). Cytogenetic location: 5q12.1.
Variant type: Deletion.
Coding change: c.577del on transcript NM_000082.4 (MANE Select); coding-DNA position 577, one base deleted (T; older notation c.577delT).
Protein change: p.Ser193fs; shifts the reading frame from serine 193.
Molecular consequence: frameshift variant.
Genome position (GRCh38, 1-based): chr5:60,902,482, A deleted on the plus strand (T on the coding strand, the reverse complement: ERCC8 is on the minus strand); the first of 3 consecutive A bases (chr5:60,902,482-60,902,484); deleting any one gives the same sequence. VCF-style (leftmost placement, unchanged base first): chr5-60902481-GA-G. GRCh37 (hg19) VCF-style: chr5-60198308-GA-G.
Other names: c.403del, p.Ser135fs (NM_001007233.3); c.118del, p.Ser40fs (NM_001290285.2); c.577delT (NM_000082.3); short protein forms S135fs, S193fs, S40fs.
Identifiers: ClinVar variation 2243326 (VCV002243326.2), dbSNP rs2531795490, ClinGen allele CA2580073345.

ClinVar aggregate classification (germline): Pathogenic (1 of 4 stars; one submission).

Conditions:
Inborn genetic diseases. Identifiers: MedGen C0950123, MeSH D030342.

Submission:

Ambry Genetics
Classification: Pathogenic for Inborn genetic diseases. Last evaluated: 2021-10-29. Review status: criteria provided, single submitter. Criteria: Ambry Variant Classification Scheme 2023. Collection method: clinical testing. Allele origin: germline.
Comment: The c.577delT (p.S193Pfs*19) alteration, located in exon 7 (coding exon 7) of the ERCC8 gene, consists of a deletion of one nucleotide at position 577, causing a translational frameshift with a predicted alternate stop codon after 19 amino acids. This alteration is expected to result in loss of function by premature protein truncation or nonsense-mediated mRNA decay. This variant was not reported in population-based cohorts in the Genome Aggregation Database (gnomAD). Based on the available evidence, this alteration is classified as pathogenic.